The following is an entry in ClinVar:

ClinVar aggregate classification (germline): Likely benign. Review status: criteria provided, multiple submitters, no conflicts (2 of 4 stars). 2 submissions from 2 submitters: Likely benign (2). Last evaluated 2025-10-13.

Conditions:
CFAP53-related disorder. Also called: CFAP53-related condition.
Heterotaxy, visceral, 6, autosomal (HTX6). Also called: Heterotaxy, visceral, 6, autosomal recessive. Identifiers: Orphanet 450, MedGen C3553676, MONDO:0013887, OMIM 614779.

Allele frequency attached by ClinVar (database versions not stated): gnomAD exomes 0.00018; ExAC 0.00022; ESP Exome Variant Server 0.00066; gnomAD 0.00080 and 0.00087; TOPMed 0.00096; 1000 Genomes Project 0.00100; 1000 Genomes Project 30x 0.00109.
gnomAD v4.1: 255 of 1,614,172 alleles (0.016%); highest among the groups gnomAD compares: African/African-American, 0.3%; no homozygotes.

Submissions (2):

Labcorp Genetics (formerly Invitae), Labcorp
Classification: Likely benign for Heterotaxy, visceral, 6, autosomal. Last evaluated: 2025-10-13. Review status: criteria provided, single submitter. Criteria: Invitae Variant Classification Sherloc (09022015). Collection method: clinical testing. Allele origin: germline.

PreventionGenetics, part of Exact Sciences
Classification: Likely benign for CFAP53-related condition. Last evaluated: 2024-12-03. Review status: criteria provided, single submitter. Criteria: ACMG Guidelines, 2015. Collection method: clinical testing. Allele origin: germline.
Comment: This variant is classified as likely benign based on ACMG/AMP sequence variant interpretation guidelines (Richards et al. 2015 PMID: 25741868, with internal and published modifications).

NM_145020.5(CFAP53):c.124C>T (p.Arg42Cys)

Gene: CFAP53 (cilia and flagella associated protein 53; minus strand). Cytogenetic location: 18q21.1.
Variant type: single nucleotide variant.
Coding change: c.124C>T on transcript NM_145020.5 (MANE Select); coding-DNA position 124, C replaced by T.
Protein change: p.Arg42Cys; replaces arginine 42 with cysteine.
Molecular consequence: missense variant.
Genome position (GRCh38, 1-based): chr18:50,262,165, G>A on the plus strand (C>T on the coding strand, the complement: CFAP53 is on the minus strand). VCF-style: chr18-50262165-G-A. GRCh37 (hg19) VCF-style: chr18-47788535-G-A.
Other names: c.124C>T (NM_145020.4); short protein forms R42C.
Identifiers: ClinVar variation 771951 (VCV000771951.8), dbSNP rs138060809, ClinGen allele CA8962503.